The following is an entry in ClinVar:

NM_015057.5(MYCBP2):c.4141C>T (p.Gln1381Ter)

Gene: MYCBP2 (MYC binding protein 2; minus strand). Cytogenetic location: 13q22.3.
Variant type: single nucleotide variant.
Coding change: c.4141C>T on transcript NM_015057.5 (MANE Select); coding-DNA position 4141, C replaced by T.
Protein change: p.Gln1381Ter; replaces glutamine 1381 with a stop codon.
Molecular consequence: nonsense.
Genome position (GRCh38, 1-based): chr13:77,190,265, G>A on the plus strand (C>T on the coding strand, the complement: MYCBP2 is on the minus strand). VCF-style: chr13-77190265-G-A. GRCh37 (hg19) VCF-style: chr13-77764400-G-A.
Other names: short protein forms Q1381*.
Identifiers: ClinVar variation 3060803 (VCV003060803.2), dbSNP rs2549138707, ClinGen allele CA388411819.
Genomic context (GRCh38, chr13:77,190,265, plus strand): 5'-TAGCAAAATAATAAACCATACTAATTCAGTATAAATATGCTAAATACCTGTATAATAACT[G>A]AGGTATCTGACCCGCATTAACATCTGTACCATTATTTGATTTCTTTGAACTCTTGAACTG-3'

ClinVar aggregate classification (germline): Uncertain significance (0 of 4 stars; one submission).

Conditions:
MYCBP2-related disorder. Also called: MYCBP2-related condition.

Submission:

PreventionGenetics, part of Exact Sciences
Classification: Uncertain significance for MYCBP2-related condition. Last evaluated: 2024-02-15. Review status: no assertion criteria provided. Collection method: clinical testing. Allele origin: germline.
Comment: The MYCBP2 c.4141C>T variant is predicted to result in premature protein termination (p.Gln1381*). To our knowledge, this variant has not been reported in the literature or in a large population database, indicating this variant is rare. Currently loss-of-function of MYCBP2 is not an established mechanism of disease. Although we suspect that this variant may be pathogenic, at this time, the clinical significance of this variant is uncertain due to the absence of conclusive functional and genetic evidence.